The following is an entry in ClinVar:

ClinVar aggregate classification (germline): Uncertain significance (1 of 4 stars; one submission).

Conditions:
Hyperphosphatasia with impaired intellectual development syndrome 2. Also called: GLYCOSYLPHOSPHATIDYLINOSITOL BIOSYNTHESIS DEFECT 6; Hyperphosphatasia with intellectual disability syndrome 2. Identifiers: Orphanet 247262, MedGen C3553637, MONDO:0013882, OMIM 614749.

Submission:

3billion
Classification: Uncertain significance for Hyperphosphatasia with impaired intellectual development syndrome 2. Last evaluated: 2025-11-06. Review status: criteria provided, single submitter. Criteria: ACMG Guidelines, 2015. Collection method: clinical testing. Allele origin: germline. Affected: yes.
Comment: The variant is observed at an extremely low frequency in the gnomAD v4.1.0 dataset (total allele frequency: <0.001%). Predicted Consequence/Location: Missense variant. The majority of the known disease-causing variants of this gene are variants expected to result in premature termination of the protein. Functional studies provide moderate evidence of the variant having a damaging effect on the gene or gene product (PMID: 28327575). The same nucleotide change resulting in the same amino acid change has been previously reported to be associated with PIGO-related disorder (PMID: 28327575). However, the evidence of pathogenicity is insufficient at this time. Therefore, this variant is classified as VUS according to the recommendation of ACMG/AMP guideline.

Literature cited by the submitters: PubMed 28327575.

NM_032634.4(PIGO):c.1306C>T (p.Arg436Trp)

Gene: PIGO (phosphatidylinositol glycan anchor biosynthesis class O; minus strand). Cytogenetic location: 9p13.3.
Variant type: single nucleotide variant.
Coding change: c.1306C>T on transcript NM_032634.4 (MANE Select); coding-DNA position 1306, C replaced by T.
Protein change: p.Arg436Trp; replaces arginine 436 with tryptophan.
Molecular consequence: missense variant.
Genome position (GRCh38, 1-based): chr9:35,092,581, G>A on the plus strand (C>T on the coding strand, the complement: PIGO is on the minus strand). VCF-style: chr9-35092581-G-A. GRCh37 (hg19) VCF-style: chr9-35092578-G-A.
Other names: c.1306C>T, p.Arg436Trp (NM_001201484.2, NM_152850.4); short protein forms R436W.
Identifiers: ClinVar variation 4855156 (VCV004855156.1).